The following is an entry in ClinVar:

ClinVar aggregate classification (germline): Pathogenic. Review status: reviewed by expert panel (3 of 4 stars). 2 submissions from 2 submitters: Pathogenic (1). 1 of the submissions does not count toward it. Last evaluated 2016-09-08.

Conditions:
Breast-ovarian cancer, familial, susceptibility to, 1 (BROVCA1). Also called: OVARIAN CANCER, SUSCEPTIBILITY TO; BRCA1 Hereditary Breast and Ovarian Cancer. Identifiers: Orphanet 145, MedGen C2676676, MONDO:0011450, OMIM 604370. Disease mechanism: loss of function.
Hereditary cancer-predisposing syndrome. Also called: Hereditary Cancer Syndrome; Hereditary neoplastic syndrome; Tumor predisposition; Neoplastic Syndromes, Hereditary. Identifiers: Orphanet 140162, MedGen C0027672, MeSH D009386, MONDO:0015356.

Submissions (2):

Evidence-based Network for the Interpretation of Germline Mutant Alleles (ENIGMA)
Classification: Pathogenic for Breast-ovarian cancer, familial, susceptibility to, 1. Last evaluated: 2016-09-08. Review status: reviewed by expert panel. Criteria: ENIGMA BRCA1/2 Classification Criteria (2015). Collection method: curation. Allele origin: germline.
Comment: Variant allele predicted to encode a truncated non-functional protein.

Ambry Genetics
Classification: Pathogenic for Hereditary cancer-predisposing syndrome. Last evaluated: 2025-09-09. Review status: criteria provided, single submitter. Criteria: Ambry Variant Classification Scheme 2023. Collection method: clinical testing. Allele origin: germline. Not counted in ClinVar's aggregate classification.
Comment: The c.5269_5273delGACAG pathogenic mutation, located in coding exon 18 of the BRCA1 gene, results from a deletion of 5 nucleotides at nucleotide positions 5269 to 5273, causing a translational frameshift with a predicted alternate stop codon (p.D1757Kfs*71). This alteration occurs at the 3' terminus of the gene, is not expected to trigger nonsense-mediated mRNA decay, and impacts the last 5.74% of the protein. However, premature stop codons are typically deleterious in nature, a significant portion of the protein is affected, and the impacted region is critical for protein function (Ambry internal data). This variant is considered to be rare based on population cohorts in the Genome Aggregation Database (gnomAD). Based on the supporting evidence, this variant is interpreted as a disease-causing mutation.

NM_007294.4(BRCA1):c.5269_5273del (p.Asp1757fs)

Gene: BRCA1 (BRCA1 DNA repair associated; minus strand). Cytogenetic location: 17q21.31.
Variant type: Deletion.
Coding change: c.5269_5273del on transcript NM_007294.4 (MANE Select); coding-DNA positions 5269 to 5273, 5 bases deleted (GACAG; older notation c.5269_5273delGACAG).
Protein change: p.Asp1757fs; shifts the reading frame from aspartic acid 1757.
Molecular consequence: frameshift variant. On other transcripts: non-coding transcript variant (1).
Genome position (GRCh38, 1-based): chr17:43,057,056-43,057,060, CTGTC deleted on the plus strand (GACAG on the coding strand, the reverse complement: BRCA1 is on the minus strand); deleting any 5 consecutive bases within chr17:43,057,056-43,057,063 gives the same sequence; the c. name uses the placement nearest the transcript's 3' end. VCF-style (leftmost placement, unchanged base first): chr17-43057055-TCTGTC-T. GRCh37 (hg19) VCF-style: chr17-41209072-TCTGTC-T.
Other names: c.5269_5273delGACAG (NM_007294.3); c.2020_2024delCAGGA, p.Asp675Lysfs (NM_001407972.1); c.1957_1961delCAGGA, p.Asp654Lysfs (NM_001407973.1, NM_001407974.1, NM_001407975.1 and 3 more transcripts); c.1954_1958delCAGGA, p.Asp653Lysfs (NM_001407979.1, NM_001407980.1, NM_001407981.1 and 12 more transcripts); c.1951_1955delCAGGA, p.Asp652Lysfs (NM_001408392.1, NM_001408396.1, NM_001408397.1 and 8 more transcripts); c.1948_1952delCAGGA, p.Asp651Lysfs (NM_001408406.1, NM_001408407.1, NM_001408408.1); c.1945_1949delCAGGA, p.Asp650Lysfs (NM_001408409.1); c.1882_1886delCAGGA, p.Asp629Lysfs (NM_001408410.1); and 76 more; short protein forms D653fs, D1710fs, D1757fs, D1778fs.
Identifiers: ClinVar variation 185261 (VCV000185261.9), dbSNP rs786202040, ClinGen allele CA003412.